The following is an entry in ClinVar:

NM_053025.4(MYLK):c.2665C>T (p.Gln889Ter)

Gene: MYLK (myosin light chain kinase; minus strand). Cytogenetic location: 3q21.1.
Variant type: single nucleotide variant.
Coding change: c.2665C>T on transcript NM_053025.4 (MANE Select); coding-DNA position 2665, C replaced by T.
Protein change: p.Gln889Ter; replaces glutamine 889 with a stop codon.
Molecular consequence: nonsense.
Genome position (GRCh38, 1-based): chr3:123,700,803, G>A on the plus strand (C>T on the coding strand, the complement: MYLK is on the minus strand). VCF-style: chr3-123700803-G-A. GRCh37 (hg19) VCF-style: chr3-123419650-G-A.
Other names: c.2137C>T, p.Gln713Ter (NM_001321309.2); c.2458C>T, p.Gln820Ter (NM_053026.4, NM_053028.4); c.2665C>T, p.Gln889Ter (NM_053027.4); short protein forms Q713*, Q820*, Q889*.
Identifiers: ClinVar variation 3776443 (VCV003776443.1).

ClinVar aggregate classification (germline): Uncertain significance (1 of 4 stars; one submission).

gnomAD v4.1: 1 of 1,614,176 alleles (0.000062%); highest among the groups gnomAD compares: Non-Finnish European, 0.000085%; no homozygotes.

Submission:

GeneDx
Classification: Uncertain significance. Last evaluated: 2024-09-27. Review status: criteria provided, single submitter. Criteria: GeneDx Variant Classification Process June 2021. Collection method: clinical testing. Allele origin: germline. Affected: yes.
Comment: Not observed at significant frequency in large population cohorts (gnomAD); Nonsense variant predicted to result in protein truncation or nonsense mediated decay. Not located in the smooth muscle isoform, where the majority of loss-of-function variants associated with autosomal dominant TAAD and autosomal recessive MMIHS have been reported to date (PMID: 21055718, 24077912); Has not been previously published as pathogenic or benign to our knowledge; This variant is associated with the following publications: (PMID: 21055718)